The following is an entry in ClinVar:

NM_000733.4(CD3E):c.70+4del

Gene: CD3E (CD3 epsilon subunit of T-cell receptor complex; plus strand). Cytogenetic location: 11q23.3.
Variant type: Deletion.
Coding change: c.70+4del on transcript NM_000733.4 (MANE Select); 4 bases into the intron after coding-DNA position 70, one base deleted (A; older notation c.70+4delA).
Molecular consequence: intron variant.
Genome position (GRCh38, 1-based): chr11:118,307,312, A deleted. VCF-style (leftmost placement, unchanged base first): chr11-118307311-GA-G. GRCh37 (hg19) VCF-style: chr11-118178026-GA-G.
Other names: c.70+4delA (NM_000733.3).
Identifiers: ClinVar variation 35809 (VCV000035809.3), dbSNP rs193922619, ClinGen allele CA213616.

ClinVar aggregate classification (germline): Uncertain significance (1 of 4 stars; one submission).

Conditions:
Severe combined immunodeficiency disease. Also called: Severe combined immunodeficiency; Severe Combined Immune Deficiency. Identifiers: Orphanet 183660, MedGen C0085110, MeSH D016511, MONDO:0015974, HP:0004430. Inheritance: X-Linked or Autosomal recessive.

Allele frequency attached by ClinVar (database versions not stated): ExAC 0.00002; gnomAD 0.00001; gnomAD exomes 0.00001 and 0.00002; TOPMed 0.00001.

Submission:

Women's Health and Genetics/Laboratory Corporation of America, LabCorp
Classification: Uncertain significance for SCID. Last evaluated: 2011-08-18. Review status: criteria provided, single submitter. Criteria: LabCorp Variant Classification Summary - May 2015. Collection method: curation, clinical testing. Allele origin: germline. Inheritance: autosomal unknown. Affected: yes.
ClinVar note: Converted during submission from uncertain to Uncertain significance.